The following is an entry in ClinVar:

NM_006118.4(HAX1):c.159T>C (p.Ser53=)

Gene: HAX1 (HCLS1 associated protein X-1; plus strand). Cytogenetic location: 1q21.3.
Variant type: single nucleotide variant.
Coding change: c.159T>C on transcript NM_006118.4 (MANE Select); coding-DNA position 159, T replaced by C.
Protein change: p.Ser53=; no amino-acid change (serine 53 retained).
Molecular consequence: synonymous variant. On other transcripts: intron variant (1).
Genome position (GRCh38, 1-based): chr1:154,273,441, T>C. VCF-style: chr1-154273441-T-C. GRCh37 (hg19) VCF-style: chr1-154245917-T-C.
Other names: p.Ser53=; c.54-39T>C (NM_001018837.2).
Identifiers: ClinVar variation 259917 (VCV000259917.29), dbSNP rs13796, ClinGen allele CA1127271.
Genomic context (GRCh38, chr1:154,273,441, plus strand): 5'-TGATGAGGAAGAAGAAGAAGAAGGGGGCTCATGGGGCCGTGGGAACCCAAGGTTCCATAG[T>C]CCTCAGCACCCCCCTGAGGAATTTGGCTTCGGCTTCAGCTTCAGCCCAGGAGGAGGGATA-3'
Protein context (NP_006109.2, residues 43-63): SWGRGNPRFH[Ser53=]PQHPPEEFGF

ClinVar aggregate classification (germline): Benign/Likely benign. Review status: criteria provided, multiple submitters, no conflicts (2 of 4 stars). 11 submissions from 11 submitters: Benign (7); Likely benign (3). 1 of the submissions does not count toward it. Last evaluated 2026-02-04.

Conditions:
Hereditary insensitivity to pain with anhidrosis (CIPA). Also called: FAMILIAL DYSAUTONOMIA, TYPE II; NTRK1 Congenital Insensitivity to Pain with Anhidrosis; HSAN Type IV; NEUROPATHY, CONGENITAL SENSORY, WITH ANHIDROSIS; hereditary sensory and autonomic neuropathy type 4; INSENSITIVITY TO PAIN, CONGENITAL, WITH ANHIDROSIS. Identifiers: Orphanet 642, MedGen C0020074, MONDO:0009746, OMIM 256800.
Kostmann syndrome (SCN3). Also called: KOSTMANN DISEASE; Autosomal recessive severe congenital neutropenia type 3. Identifiers: Orphanet 99749, MedGen C5235141, MONDO:0012548, OMIM 610738.

Allele frequency attached by ClinVar (database versions not stated): 1000 Genomes Project 30x 0.07324; 1000 Genomes Project 0.07528; TOPMed 0.09371; gnomAD 0.09423 and 0.09552; ESP Exome Variant Server 0.09918; ExAC 0.11360; gnomAD exomes 0.11565.

Submissions (11):

Labcorp Genetics (formerly Invitae), Labcorp
Classification: Benign for Kostmann syndrome. Last evaluated: 2026-02-04. Review status: criteria provided, single submitter. Criteria: Invitae Variant Classification Sherloc (09022015). Collection method: clinical testing. Allele origin: germline.

Women's Health and Genetics/Laboratory Corporation of America, LabCorp
Classification: Benign. Last evaluated: 2026-01-21. Review status: criteria provided, single submitter. Criteria: LabCorp Variant Classification Summary - May 2015. Collection method: clinical testing. Allele origin: germline.

ARUP Laboratories, Molecular Genetics and Genomics, ARUP Laboratories
Classification: Benign for Kostmann syndrome. Last evaluated: 2025-06-19. Review status: criteria provided, single submitter. Criteria: ARUP Molecular Germline Variant Investigation Process 2024. Collection method: clinical testing. Allele origin: germline.

Blueprint Genetics
Classification: Likely benign. Last evaluated: 2024-11-26. Review status: criteria provided, single submitter. Criteria: ACMG Guidelines, 2015. Collection method: clinical testing. Allele origin: germline.

Genome-Nilou Lab
Classification: Benign for Hereditary insensitivity to pain with anhidrosis. Last evaluated: 2021-07-08. Review status: criteria provided, single submitter. Criteria: ACMG Guidelines, 2015. Collection method: clinical testing. Allele origin: germline. Affected: no.

Mayo Clinic Laboratories, Mayo Clinic
Classification: Benign. Last evaluated: 2018-03-28. Review status: criteria provided, single submitter. Criteria: ACMG Guidelines, 2015. Collection method: clinical testing. Allele origin: germline. Observed: 260 variant alleles.

Illumina Laboratory Services, Illumina
Classification: Likely benign for Kostmann syndrome. Last evaluated: 2017-04-27. Review status: criteria provided, single submitter. Criteria: ICSL Variant Classification Criteria 13 December 2019. Collection method: clinical testing. Allele origin: germline.
Comment: This variant was observed as part of a predisposition screen in an ostensibly healthy population. A literature search was performed for the gene, cDNA change, and amino acid change (where applicable). No publications were found based on this search. Allele frequency data from public databases allowed determination this variant is unlikely to cause disease. Therefore, this variant is classified as likely benign.

GeneDx
Classification: Benign. Last evaluated: 2015-03-03. Review status: criteria provided, single submitter. Criteria: GeneDx Variant Classification Process June 2021. Collection method: clinical testing. Allele origin: germline. Affected: yes.

Breakthrough Genomics
Classification: Likely benign. Review status: criteria provided, single submitter. Criteria: ACMG Guidelines, 2015. Collection method: not provided. Allele origin: germline. Inheritance: Autosomal recessive inheritance. Affected: yes.

PreventionGenetics, part of Exact Sciences
Classification: Benign. Review status: criteria provided, single submitter. Criteria: ACMG Guidelines, 2015. Collection method: clinical testing. Allele origin: germline.

Natera, Inc.
Classification: Benign for Autosomal recessive severe congenital neutropenia type 3. Last evaluated: 2019-11-20. Review status: no assertion criteria provided. Collection method: clinical testing. Allele origin: germline. Not counted in ClinVar's aggregate classification.